The following is an entry in ClinVar:

ClinVar aggregate classification (germline): Pathogenic (1 of 4 stars; one submission).

Conditions:
Autosomal recessive nonsyndromic hearing loss 28. Identifiers: Orphanet 90636, MedGen C1853276, MONDO:0012355, OMIM 609823.

Submission:

Institute of Rare Diseases, West China Hospital, Sichuan University
Classification: Pathogenic for Autosomal recessive nonsyndromic hearing loss 28. Last evaluated: 2025-01-09. Review status: criteria provided, single submitter. Criteria: ClinGen HL ACMG Specifications v1. Collection method: research. Allele origin: germline. Affected: yes.
Comment: PVS1;PM3_Supporting;PM2_Supporting

NM_001039141.3(TRIOBP):c.2147_2148dup (p.Gln717fs)

Gene: TRIOBP (TRIO and F-actin binding protein; plus strand). Cytogenetic location: 22q13.1.
Variant type: Duplication.
Coding change: c.2147_2148dup on transcript NM_001039141.3 (MANE Select); coding-DNA positions 2147 to 2148, 2 bases duplicated (AA; older notation c.2147_2148dupAA).
Protein change: p.Gln717fs; shifts the reading frame from glutamine 717.
Molecular consequence: frameshift variant.
Genome position (GRCh38, 1-based): chr22:37,724,703-37,724,704, AA duplicated. VCF-style (leftmost placement, unchanged base first): chr22-37724702-C-CAA. GRCh37 (hg19) VCF-style: chr22-38120709-C-CAA.
Other names: short protein forms Q717fs.
Identifiers: ClinVar variation 3601948 (VCV003601948.1).
Genomic context (GRCh38, chr22:37,724,702, plus strand): 5'-CCCAGAACATCCTGTGCCCAACGGGACGATCCCAGAGCCTCCTCTCCTAACAGAACCACC[C>CAA]AACAAGAGAACCCCAGAACATCCTGTGCCCGACGGGACAATCCCAGAGCCTCCTCTCGCA-3'